The following is an entry in ClinVar:

ClinVar aggregate classification (germline): Uncertain significance (1 of 4 stars; one submission).

Submission:

GeneDx
Classification: Uncertain significance. Last evaluated: 2026-03-06. Review status: criteria provided, single submitter. Criteria: GeneDx Variant Classification Process June 2021. Collection method: clinical testing. Allele origin: germline.
Comment: Not observed at significant frequency in large population cohorts (gnomAD); In silico analysis suggests that this missense variant does not alter protein structure/function; Has not been previously published as pathogenic or benign to our knowledge

NM_000188.3(HK1):c.1035T>A (p.Asn345Lys)

Gene: HK1 (hexokinase 1; plus strand). Cytogenetic location: 10q22.1.
Variant type: single nucleotide variant.
Coding change: c.1035T>A on transcript NM_000188.3 (MANE Select); coding-DNA position 1035, T replaced by A.
Protein change: p.Asn345Lys; replaces asparagine 345 with lysine.
Molecular consequence: missense variant. On other transcripts: non-coding transcript variant (2), intron variant (1).
Genome position (GRCh38, 1-based): chr10:69,379,865, T>A. VCF-style: chr10-69379865-T-A. GRCh37 (hg19) VCF-style: chr10-71139621-T-A.
Other names: c.1047T>A, p.Asn349Lys (NM_001322364.2, NM_001358263.1, NM_033497.3 and 1 more transcripts); c.1140T>A, p.Asn380Lys (NM_001322365.2); c.951T>A, p.Asn317Lys (NM_001322366.1, NM_001441143.1); c.939T>A, p.Asn313Lys (NM_001322367.1); c.1035T>A, p.Asn345Lys (NM_001441139.1, NM_001441141.1, NM_001441145.1 and 2 more transcripts); c.1026T>A, p.Asn342Lys (NM_001441140.1); c.993T>A, p.Asn331Lys (NM_001441142.1); c.915T>A, p.Asn305Lys (NM_001441144.1); and 8 more; short protein forms N107K, N132K, N223K, N271K, N305K, N313K, N317K, N331K.
Identifiers: ClinVar variation 4975135 (VCV004975135.1).